The following is an entry in ClinVar:

ClinVar aggregate classification (germline): Benign (1 of 4 stars; one submission).

Submission:

ISCA site 4
Classification: Benign. Last evaluated: 2011-08-12. Review status: criteria provided, single submitter. Criteria: Kaminsky et al. (Genet Med. 2011). Collection method: clinical testing. Allele origin: unknown. Affected: yes. Observed: 1 variant allele.
Comment: Copy number variation identified through the course of routine clinical cytogenomic testing in postnatal populations. Clinical assertions have been curated as described in Kaminsky et al. 2011.

GRCh38/hg38 10q11.22(chr10:46157935-47923579)x3

Genes: AGAP10 (ArfGAP with GTPase domain, ankyrin repeat and PH domain 10), AGAP9 (ArfGAP with GTPase domain, ankyrin repeat and PH domain 9; minus strand), ANTXRL (ANTXR like; plus strand), ANXA8 (annexin A8; minus strand), ANXA8L1 (annexin A8 like 1; plus strand) and 31 more. Cytogenetic location: 10q11.22.
Variant type: copy number gain.
Change: copy number 3 (three copies instead of two) of chr10:46,157,935-47,923,579 (1.77 Mb, GRCh38 coordinates, 1-based), cytogenetic band 10q11.22.
Identifiers: ClinVar variation 161022 (VCV000161022.1).